The following is an entry in ClinVar:

ClinVar aggregate classification (germline): Conflicting classifications of pathogenicity. Review status: criteria provided, conflicting classifications (1 of 4 stars). 3 submissions from 3 submitters: Likely pathogenic (1); Uncertain significance (2). Last evaluated 2026-01-18.

Conditions:
CFI-related disorder. Also called: CFI-related condition; CFI-related disorders. Identifiers: MedGen CN239325.
Age related macular degeneration 13. Identifiers: MedGen C3809523, MONDO:0014189, OMIM 615439.
Factor I deficiency (CFID). Also called: Complement factor I deficiency. Identifiers: Orphanet 200418, MedGen C3463916, MONDO:0012594, OMIM 610984.
Atypical hemolytic-uremic syndrome with I factor anomaly. Also called: HEMOLYTIC UREMIC SYNDROME, ATYPICAL, SUSCEPTIBILITY TO, 3; AHUS, SUSCEPTIBILITY TO, 3. Identifiers: Orphanet 2134, MedGen C2752039, MONDO:0013041, OMIM 612923.

Allele frequency attached by ClinVar (database versions not stated): gnomAD exomes below 0.00001; gnomAD 0.00001; TOPMed 0.00002; ESP Exome Variant Server 0.00008.
gnomAD v4.1: 25 of 1,539,532 alleles (0.0016%); highest among the groups gnomAD compares: Non-Finnish European, 0.0022%; no homozygotes.

Submissions (3):

Labcorp Genetics (formerly Invitae), Labcorp
Classification: Uncertain significance. Last evaluated: 2026-01-18. Review status: criteria provided, single submitter. Criteria: Invitae Variant Classification Sherloc (09022015). Collection method: clinical testing. Allele origin: germline.
Comment: This sequence change replaces serine, which is neutral and polar, with tyrosine, which is neutral and polar, at codon 221 of the CFI protein (p.Ser221Tyr). This variant is present in population databases (rs377528991, gnomAD 0.0009%). This missense change has been observed in individual(s) with hemolytic uremic syndrome (PMID: 35619721). ClinVar contains an entry for this variant (Variation ID: 1489275). Invitae Evidence Modeling of protein sequence and biophysical properties (such as structural, functional, and spatial information, amino acid conservation, physicochemical variation, residue mobility, and thermodynamic stability) indicates that this missense variant is not expected to disrupt CFI protein function with a negative predictive value of 80%. Experimental studies have shown that this missense change affects CFI function (PMID: 32510551, 35531992). In summary, the available evidence is currently insufficient to determine the role of this variant in disease. Therefore, it has been classified as a Variant of Uncertain Significance.

Genomenon, Inc
Classification: Likely pathogenic for CFI-related disorder. Last evaluated: 2025-09-26. Review status: criteria provided, single submitter. Criteria: Genomenon Sequence Variant Interpretation Standards - Updated. Collection method: curation. Allele origin: germline. Affected: yes.
Comment: CFI p.Ser221Tyr (c.662C>A) is a missense variant that changes the amino acid at residue 221 from Serine to Tyrosine. This variant has been observed in at least one proband affected with a CFI-related disorder (PMID:35619721;32510551). At least one functional study has demonstrated a substantial alteration in protein function relative to the wild-type (PMID:35531992;32510551). It is absent or not present at a significant frequency in gnomAD. In silico models agree that this variant is not damaging. In conclusion, we classify CFI p.Ser221Tyr (c.662C>A) as a likely pathogenic variant.

Fulgent Genetics
Classification: Uncertain significance for Factor I deficiency; Atypical hemolytic-uremic syndrome with I factor anomaly; Age related macular degeneration 13. Last evaluated: 2024-01-14. Review status: criteria provided, single submitter. Criteria: ACMG Guidelines, 2015. Collection method: clinical testing. Allele origin: germline.

Literature cited by the submitters: PubMed 35619721 (cited by Labcorp Genetics (formerly Invitae), Labcorp and Genomenon, Inc); PubMed 32510551 (cited by Labcorp Genetics (formerly Invitae), Labcorp); PubMed 35531992 (cited by Labcorp Genetics (formerly Invitae), Labcorp); 32510551 (cited by Genomenon, Inc); 35531992 (cited by Genomenon, Inc).

NM_000204.5(CFI):c.662C>A (p.Ser221Tyr)

Gene: CFI (complement factor I; minus strand). Cytogenetic location: 4q25.
Variant type: single nucleotide variant.
Coding change: c.662C>A on transcript NM_000204.5 (MANE Select); coding-DNA position 662, C replaced by A.
Protein change: p.Ser221Tyr; replaces serine 221 with tyrosine.
Molecular consequence: missense variant. On other transcripts: non-coding transcript variant (3).
Genome position (GRCh38, 1-based): chr4:109,760,633, G>T on the plus strand (C>A on the coding strand, the complement: CFI is on the minus strand). VCF-style: chr4-109760633-G-T. GRCh37 (hg19) VCF-style: chr4-110681789-G-T.
Other names: c.662C>A, p.Ser221Tyr (NM_001318057.2, NM_001331035.2, NM_001375278.1 and 5 more transcripts); c.53C>A, p.Ser18Tyr (NM_001375284.1); short protein forms S18Y, S221Y.
Identifiers: ClinVar variation 1489275 (VCV001489275.9), dbSNP rs377528991, ClinGen allele CA103695605.
Genomic context (GRCh38, chr4:109,760,633, plus strand): 5'-CAGGCTTTCATCTGAGAAATGTATTTCCCATTCACACACTGAAAGAAGTCATCCATTGGA[G>T]AATCTGTAAAGCAGGAATTATCTTTGTGAAATTTATTTATGGAGTGGTGGCATGACATCC-3'
Protein context (NP_000195.3, residues 211-231): DVVCYTQKAD[Ser221Tyr]PMDDFFQCVN